The following is an entry in ClinVar:

ClinVar aggregate classification (germline): Conflicting classifications of pathogenicity. Review status: criteria provided, conflicting classifications (1 of 4 stars). 3 submissions from 3 submitters: Uncertain significance (2); Likely benign (1). Last evaluated 2024-07-29.

Conditions:
Hereditary nonpolyposis colorectal neoplasms. Identifiers: MedGen C0009405, MeSH D003123.
Hereditary cancer-predisposing syndrome. Also called: Hereditary Cancer Syndrome; Tumor predisposition; Hereditary neoplastic syndrome; Neoplastic Syndromes, Hereditary. Identifiers: Orphanet 140162, MedGen C0027672, MeSH D009386, MONDO:0015356.

Allele frequency attached by ClinVar (database versions not stated): gnomAD exomes below 0.00001.

Submissions (3):

Labcorp Genetics (formerly Invitae), Labcorp
Classification: Likely benign for Hereditary nonpolyposis colorectal neoplasms. Last evaluated: 2024-07-29. Review status: criteria provided, single submitter. Criteria: Invitae Variant Classification Sherloc (09022015). Collection method: clinical testing. Allele origin: germline.

Color Diagnostics, LLC DBA Color Health
Classification: Uncertain significance for Hereditary cancer-predisposing syndrome. Last evaluated: 2024-03-06. Review status: criteria provided, single submitter. Criteria: ACMG Guidelines, 2015. Collection method: clinical testing. Allele origin: germline.
Comment: This missense variant replaces alanine with serine at codon 1293 of the MSH6 protein. Computational prediction suggests that this variant may have deleterious impact on protein structure and function (internally defined REVEL score threshold >= 0.7, PMID: 27666373). To our knowledge, functional studies have not been reported for this variant. This variant has not been reported in individuals affected with hereditary cancer in the literature. This variant has been identified in 1/250702 chromosomes in the general population by the Genome Aggregation Database (gnomAD). The available evidence is insufficient to determine the role of this variant in disease conclusively. Therefore, this variant is classified as a Variant of Uncertain Significance.

Ambry Genetics
Classification: Uncertain significance for Hereditary cancer-predisposing syndrome. Last evaluated: 2022-07-25. Review status: criteria provided, single submitter. Criteria: Ambry Variant Classification Scheme 2023. Collection method: clinical testing. Allele origin: germline.
Comment: The p.A1293S variant (also known as c.3877G>T), located in coding exon 9 of the MSH6 gene, results from a G to T substitution at nucleotide position 3877. The alanine at codon 1293 is replaced by serine, an amino acid with similar properties. This amino acid position is conserved. In addition, this alteration is predicted to be deleterious by in silico analysis. Since supporting evidence is limited at this time, the clinical significance of this alteration remains unclear.

NM_000179.3(MSH6):c.3877G>T (p.Ala1293Ser)

Gene: MSH6 (mutS homolog 6; plus strand). Cytogenetic location: 2p16.3.
Variant type: single nucleotide variant.
Coding change: c.3877G>T on transcript NM_000179.3 (MANE Select); coding-DNA position 3877, G replaced by T.
Protein change: p.Ala1293Ser; replaces alanine 1293 with serine.
Molecular consequence: missense variant.
Genome position (GRCh38, 1-based): chr2:47,806,527, G>T. VCF-style: chr2-47806527-G-T. GRCh37 (hg19) VCF-style: chr2-48033666-G-T.
Other names: c.3487G>T, p.Ala1163Ser (NM_001281492.2); c.2971G>T, p.Ala991Ser (NM_001281493.2, NM_001281494.2); short protein forms A1163S, A1293S, A991S.
Identifiers: ClinVar variation 1043647 (VCV001043647.13), dbSNP rs1461336062, ClinGen allele CA346761371.